The following is an entry in ClinVar:

ClinVar aggregate classification (germline): Conflicting classifications of pathogenicity. Review status: criteria provided, conflicting classifications (1 of 4 stars). 2 submissions from 2 submitters: Likely pathogenic (1); Uncertain significance (1). Last evaluated 2025-01-31.

Conditions:
Catecholaminergic polymorphic ventricular tachycardia 1. Also called: VENTRICULAR TACHYCARDIA, CATECHOLAMINERGIC POLYMORPHIC, 1, WITH OR WITHOUT ATRIAL DYSFUNCTION AND/OR DILATED CARDIOMYOPATHY; VENTRICULAR TACHYCARDIA, STRESS-INDUCED POLYMORPHIC 1; RYR2-Related Catecholaminergic Polymorphic Ventricular Tachycardia. Identifiers: Orphanet 3286, MedGen C1631597, MONDO:0011484, OMIM 604772.

Submissions (2):

Labcorp Genetics (formerly Invitae), Labcorp
Classification: Likely pathogenic for Catecholaminergic polymorphic ventricular tachycardia 1. Last evaluated: 2025-01-31. Review status: criteria provided, single submitter. Criteria: Invitae Variant Classification Sherloc (09022015). Collection method: clinical testing. Allele origin: germline.
Comment: This sequence change replaces leucine, which is neutral and non-polar, with proline, which is neutral and non-polar, at codon 14 of the RYR2 protein (p.Leu14Pro). This variant is not present in population databases (gnomAD no frequency). This missense change has been observed in individual(s) with catecholaminergic polymorphic ventricular tachycardia (PMID: 31112425, 35931078). It has also been observed to segregate with disease in related individuals. ClinVar contains an entry for this variant (Variation ID: 288265). Invitae Evidence Modeling of protein sequence and biophysical properties (such as structural, functional, and spatial information, amino acid conservation, physicochemical variation, residue mobility, and thermodynamic stability) indicates that this missense variant is expected to disrupt RYR2 protein function with a positive predictive value of 95%. In summary, the currently available evidence indicates that the variant is pathogenic, but additional data are needed to prove that conclusively. Therefore, this variant has been classified as Likely Pathogenic.

Eurofins Ntd Llc (ga)
Classification: Uncertain significance. Last evaluated: 2016-06-06. Review status: criteria provided, single submitter. Criteria: EGL Classification Definitions 2015. Collection method: clinical testing. Allele origin: germline. Observed: 4 variant alleles, 4 heterozygotes.

Literature cited by the submitters: PubMed 31112425 (cited by Labcorp Genetics (formerly Invitae), Labcorp); PubMed 35931078 (cited by Labcorp Genetics (formerly Invitae), Labcorp).

NM_001035.3(RYR2):c.41T>C (p.Leu14Pro)

Gene: RYR2 (ryanodine receptor 2; plus strand). Cytogenetic location: 1q43.
Variant type: single nucleotide variant.
Coding change: c.41T>C on transcript NM_001035.3 (MANE Select); coding-DNA position 41, T replaced by C.
Protein change: p.Leu14Pro; replaces leucine 14 with proline.
Molecular consequence: missense variant.
Genome position (GRCh38, 1-based): chr1:237,042,562, T>C. VCF-style: chr1-237042562-T-C. GRCh37 (hg19) VCF-style: chr1-237205862-T-C.
Other names: c.41T>C, p.Leu14Pro (LRG_402t1); short protein forms L14P.
Identifiers: ClinVar variation 288265 (VCV000288265.51), dbSNP rs886043844, ClinGen allele CA10606020.